The following is an entry in ClinVar:

ClinVar aggregate classification (germline): Likely benign (1 of 4 stars; one submission).

Submission:

Mayo Clinic Laboratories, Mayo Clinic
Classification: Likely benign. Last evaluated: 2025-06-09. Review status: criteria provided, single submitter. Criteria: ACMG Guidelines, 2015. Collection method: clinical testing. Allele origin: germline. Observed: 1 variant allele.
Comment: BS2, BP4

NM_002608.4(PDGFB):c.632G>A (p.Arg211Gln)

Gene: PDGFB (platelet derived growth factor subunit B; minus strand). Cytogenetic location: 22q13.1.
Variant type: single nucleotide variant.
Coding change: c.632G>A on transcript NM_002608.4 (MANE Select); coding-DNA position 632, G replaced by A.
Protein change: p.Arg211Gln; replaces arginine 211 with glutamine.
Molecular consequence: missense variant.
Genome position (GRCh38, 1-based): chr22:39,225,817, C>T on the plus strand (G>A on the coding strand, the complement: PDGFB is on the minus strand). VCF-style: chr22-39225817-C-T. GRCh37 (hg19) VCF-style: chr22-39621822-C-T.
Other names: p.Arg211Gln; c.587G>A, p.Arg196Gln (NM_033016.3); short protein forms R196Q, R211Q.
Identifiers: ClinVar variation 4684492 (VCV004684492.1).